The following is an entry in ClinVar:

ClinVar aggregate classification (germline): Likely benign. Review status: criteria provided, multiple submitters, no conflicts (2 of 4 stars). 4 submissions from 4 submitters: Likely benign (4). Last evaluated 2026-05-01.

Conditions:
Charcot-Marie-Tooth disease. Also called: Charcot-Marie-Tooth Neuropathy; Charcot-Marie-Tooth Hereditary Neuropathy. Identifiers: Orphanet 166, MedGen C0007959, MONDO:0015626.
Charcot-Marie-Tooth disease axonal type 2C (HMSN2C). Also called: CHARCOT-MARIE-TOOTH DISEASE, AXONAL, AUTOSOMAL DOMINANT, TYPE 2C; Charcot-Marie-Tooth Neuropathy Type 2C; Charcot-Marie-Tooth Disease Type 2, TRPV4-Related (CMT2C). Identifiers: Orphanet 99937, MedGen C1853710, MONDO:0011633, OMIM 606071.

Allele frequency attached by ClinVar (database versions not stated): gnomAD 0.00022; gnomAD exomes 0.00003; ESP Exome Variant Server 0.00015; TOPMed 0.00018; ExAC 0.00003.
gnomAD v4.1: 42 of 1,600,208 alleles (0.0026%); highest among the groups gnomAD compares: African/African-American, 0.052%; no homozygotes.

Submissions (4):

Women's Health and Genetics/Laboratory Corporation of America, LabCorp
Classification: Likely benign. Last evaluated: 2026-05-01. Review status: criteria provided, single submitter. Criteria: LabCorp Variant Classification Summary - May 2015. Collection method: clinical testing. Allele origin: germline.

Labcorp Genetics (formerly Invitae), Labcorp
Classification: Likely benign for Charcot-Marie-Tooth disease axonal type 2C. Last evaluated: 2025-10-09. Review status: criteria provided, single submitter. Criteria: Invitae Variant Classification Sherloc (09022015). Collection method: clinical testing. Allele origin: germline.

GeneDx
Classification: Likely benign. Last evaluated: 2017-03-13. Review status: criteria provided, single submitter. Criteria: GeneDx Variant Classification (06012015). Collection method: clinical testing. Allele origin: germline. Affected: yes.
Comment: This variant is considered likely benign or benign based on one or more of the following criteria: it is a conservative change, it occurs at a poorly conserved position in the protein, it is predicted to be benign by multiple in silico algorithms, and/or has population frequency not consistent with disease.

Molecular Genetics Laboratory, London Health Sciences Centre
Classification: Likely benign for Charcot-Marie-Tooth disease. Review status: criteria provided, single submitter. Criteria: ACMG Guidelines, 2015. Collection method: clinical testing. Allele origin: germline. Affected: yes.

NM_021625.5(TRPV4):c.1584+12G>T

Gene: TRPV4 (transient receptor potential cation channel subfamily V member 4; minus strand). Cytogenetic location: 12q24.11.
Variant type: single nucleotide variant.
Coding change: c.1584+12G>T on transcript NM_021625.5 (MANE Select); 12 bases into the intron after coding-DNA position 1584, G replaced by T.
Molecular consequence: intron variant.
Genome position (GRCh38, 1-based): chr12:109,793,918, C>A on the plus strand (G>T on the coding strand, the complement: TRPV4 is on the minus strand). VCF-style: chr12-109793918-C-A. GRCh37 (hg19) VCF-style: chr12-110231723-C-A.
Other names: c.1263+12G>T (NM_001177433.1); c.1443+12G>T (NM_001177428.1); c.1404+12G>T (NM_147204.2); c.1482+12G>T (NM_001177431.1).
Identifiers: ClinVar variation 516319 (VCV000516319.10), dbSNP rs375908611, ClinGen allele CA6780180.